The following is an entry in ClinVar:

NM_007315.4(STAT1):c.2016C>A (p.Asp672Glu)

Gene: STAT1 (signal transducer and activator of transcription 1; minus strand). Cytogenetic location: 2q32.2.
Variant type: single nucleotide variant.
Coding change: c.2016C>A on transcript NM_007315.4 (MANE Select); coding-DNA position 2016, C replaced by A.
Protein change: p.Asp672Glu; replaces aspartic acid 672 with glutamic acid.
Molecular consequence: missense variant. On other transcripts: intron variant (1).
Genome position (GRCh38, 1-based): chr2:190,976,883, G>T on the plus strand (C>A on the coding strand, the complement: STAT1 is on the minus strand). VCF-style: chr2-190976883-G-T. GRCh37 (hg19) VCF-style: chr2-191841609-G-T.
Other names: c.1956C>A, p.Asp652Glu (NM_001384880.1); c.2022C>A, p.Asp674Glu (NM_001384881.1); c.2016C>A, p.Asp672Glu (NM_001384886.1, NM_001384889.1, NM_139266.3); c.1923C>A, p.Asp641Glu (NM_001384887.1); c.2010C>A, p.Asp670Glu (NM_001384882.1); c.1917C>A, p.Asp639Glu (NM_001384883.1); c.1857C>A, p.Asp619Glu (NM_001384885.1); c.1986C>A, p.Asp662Glu (NM_001384888.1); and 3 more; short protein forms D641E, D642E, D662E, D672E, D652E, D674E, D619E, D639E.
Identifiers: ClinVar variation 2954169 (VCV002954169.3), dbSNP rs2470418060, ClinGen allele CA349912094.
Genomic context (GRCh38, chr2:190,976,883, plus strand): 5'-CTGCTTGCCCCACTTACCTTCCTTTGGCCTGGAGTAATACTTTCCAAAGGCATGGTCTTT[G>T]TCAATATTTGGATACAGATACTTCAGGGGATTCTCAGGAATATTCTCAGCAGCCATGACT-3'
Protein context (NP_009330.1, residues 662-682): NPLKYLYPNI[Asp672Glu]KDHAFGKYYS

ClinVar aggregate classification (germline): Uncertain significance (1 of 4 stars; one submission).

Conditions:
Immunodeficiency 31B. Also called: STAT1 DEFICIENCY, AUTOSOMAL RECESSIVE; IMMUNODEFICIENCY 31B, MYCOBACTERIAL AND VIRAL INFECTIONS, AUTOSOMAL RECESSIVE. Identifiers: Orphanet 391311, MedGen C3151088, MONDO:0013427, OMIM 613796.
Autoimmune enteropathy and endocrinopathy - susceptibility to chronic infections syndrome. Also called: Immunodeficiency 31C, autosomal dominant; Immunodeficiency 31C. Identifiers: Orphanet 391487, MedGen C3279990, MONDO:0013599, OMIM 614162.
Mendelian susceptibility to mycobacterial diseases due to partial STAT1 deficiency. Also called: IMMUNODEFICIENCY 31A, MYCOBACTERIOSIS, AUTOSOMAL DOMINANT; STAT1 DEFICIENCY, AUTOSOMAL DOMINANT; Immunodeficiency 31a. Identifiers: Orphanet 319595, MedGen C4013950, MONDO:0013956, OMIM 614892.

Submission:

Labcorp Genetics (formerly Invitae), Labcorp
Classification: Uncertain significance for Mendelian susceptibility to mycobacterial diseases due to partial STAT1 deficiency; Immunodeficiency 31B; Autoimmune enteropathy and endocrinopathy - susceptibility to chronic infections syndrome. Last evaluated: 2023-11-24. Review status: criteria provided, single submitter. Criteria: Invitae Variant Classification Sherloc (09022015). Collection method: clinical testing. Allele origin: germline.
Comment: This sequence change replaces aspartic acid, which is acidic and polar, with glutamic acid, which is acidic and polar, at codon 672 of the STAT1 protein (p.Asp672Glu). This variant is not present in population databases (gnomAD no frequency). This variant has not been reported in the literature in individuals affected with STAT1-related conditions. An algorithm developed to predict the effect of missense changes on protein structure and function (PolyPhen-2) suggests that this variant is likely to be tolerated. In summary, the available evidence is currently insufficient to determine the role of this variant in disease. Therefore, it has been classified as a Variant of Uncertain Significance.